The following is an entry in ClinVar:

NM_001161352.2(KCNMA1):c.2651A>T (p.Glu884Val)

Genes: KCNMA1 (potassium calcium-activated channel subfamily M alpha 1; minus strand), KCNMA1-AS1 (KCNMA1 antisense RNA 1; plus strand). Cytogenetic location: 10q22.3.
Variant type: single nucleotide variant.
Coding change: c.2651A>T on transcript NM_001161352.2 (MANE Select); coding-DNA position 2651, A replaced by T.
Protein change: p.Glu884Val; replaces glutamic acid 884 with valine.
Molecular consequence: missense variant.
Genome position (GRCh38, 1-based): chr10:76,949,200, T>A on the plus strand (A>T on the coding strand, the complement: KCNMA1 is on the minus strand). VCF-style: chr10-76949200-T-A. GRCh37 (hg19) VCF-style: chr10-78708958-T-A.
Other names: c.2489A>T, p.Glu830Val (NM_001014797.3, NM_001322835.2, NM_001322837.2); c.2600A>T, p.Glu867Val (NM_001161353.2); c.2327A>T, p.Glu776Val (NM_001271518.2); c.2486A>T, p.Glu829Val (NM_001271519.2, NM_001322829.2, NM_001322836.2); c.2498A>T, p.Glu833Val (NM_001322830.2); c.2477A>T, p.Glu826Val (NM_001322832.2, NM_001410940.1, NM_002247.4); c.2024A>T, p.Glu675Val (NM_001322838.2); short protein forms E675V, E776V, E826V, E829V, E830V, E833V, E867V, E884V.
Identifiers: ClinVar variation 2498464 (VCV002498464.28), dbSNP rs2550163599, ClinGen allele CA377406189.

ClinVar aggregate classification (germline): Uncertain significance (1 of 4 stars; one submission).

Submission:

CeGaT Center for Human Genetics Tuebingen
Classification: Uncertain significance. Last evaluated: 2023-02-01. Review status: criteria provided, single submitter. Criteria: CeGaT Center For Human Genetics Tuebingen Variant Classification Criteria Version 2. Collection method: clinical testing. Allele origin: germline. Affected: yes. Observed: 1 variant allele.
Comment: KCNMA1: PM2, PM5:Supporting, PP2